The following is an entry in ClinVar:

NM_178857.6(RP1L1):c.723A>T (p.Leu241Phe)

Gene: RP1L1 (RP1 like 1). Cytogenetic location: 8p23.1.
Variant type: single nucleotide variant.
Coding change: c.723A>T on transcript NM_178857.6 (MANE Select); coding-DNA position 723, A replaced by T.
Protein change: p.Leu241Phe; replaces leucine 241 with phenylalanine.
Molecular consequence: missense variant.
Genome position (GRCh38, 1-based): chr8:10,616,474, T>A on the plus strand (A>T on the coding strand, the complement: RP1L1 is on the minus strand). VCF-style: chr8-10616474-T-A. GRCh37 (hg19) VCF-style: chr8-10473984-T-A.
Other names: short protein forms L241F.
Identifiers: ClinVar variation 3647687 (VCV003647687.2).

ClinVar aggregate classification (germline): Uncertain significance (1 of 4 stars; one submission).

Submission:

Labcorp Genetics (formerly Invitae), Labcorp
Classification: Uncertain significance. Last evaluated: 2024-03-26. Review status: criteria provided, single submitter. Criteria: Invitae Variant Classification Sherloc (09022015). Collection method: clinical testing. Allele origin: germline.
Comment: This sequence change replaces leucine, which is neutral and non-polar, with phenylalanine, which is neutral and non-polar, at codon 241 of the RP1L1 protein (p.Leu241Phe). This variant is not present in population databases (gnomAD no frequency). This variant has not been reported in the literature in individuals affected with RP1L1-related conditions. Advanced modeling of protein sequence and biophysical properties (such as structural, functional, and spatial information, amino acid conservation, physicochemical variation, residue mobility, and thermodynamic stability) performed at Invitae indicates that this missense variant is not expected to disrupt RP1L1 protein function with a negative predictive value of 80%. In summary, the available evidence is currently insufficient to determine the role of this variant in disease. Therefore, it has been classified as a Variant of Uncertain Significance.